The following is an entry in ClinVar:

NM_001292063.2(OTOG):c.8298C>T (p.Pro2766=)

Gene: OTOG (otogelin; plus strand). Cytogenetic location: 11p15.1.
Variant type: single nucleotide variant.
Coding change: c.8298C>T on transcript NM_001292063.2 (MANE Select); coding-DNA position 8298, C replaced by T.
Protein change: p.Pro2766=; no amino-acid change (proline 2766 retained).
Molecular consequence: synonymous variant.
Genome position (GRCh38, 1-based): chr11:17,642,129, C>T. VCF-style: chr11-17642129-C-T. GRCh37 (hg19) VCF-style: chr11-17663676-C-T.
Other names: c.8334C>T, p.Pro2778= (NM_001277269.2).
Identifiers: ClinVar variation 3031250 (VCV003031250.4), dbSNP rs569159135, ClinGen allele CA5906268.

ClinVar aggregate classification (germline): Likely benign. Review status: criteria provided, single submitter (1 of 4 stars). 2 submissions from 2 submitters: Likely benign (1). 1 of the submissions does not count toward it. Last evaluated 2024-04-14.

Conditions:
OTOG-related disorder. Also called: OTOG-related condition.

gnomAD v4.1: 57 of 1,541,434 alleles (0.0037%); highest among the groups gnomAD compares: African/African-American, 0.0069%; no homozygotes.

Submissions (2):

Labcorp Genetics (formerly Invitae), Labcorp
Classification: Likely benign. Last evaluated: 2024-04-14. Review status: criteria provided, single submitter. Criteria: Invitae Variant Classification Sherloc (09022015). Collection method: clinical testing. Allele origin: germline.

PreventionGenetics, part of Exact Sciences
Classification: Likely benign for OTOG-related condition. Last evaluated: 2021-01-18. Review status: no assertion criteria provided. Collection method: clinical testing. Allele origin: germline. Not counted in ClinVar's aggregate classification.
Comment: This variant is classified as likely benign based on ACMG/AMP sequence variant interpretation guidelines (Richards et al. 2015 PMID: 25741868, with internal and published modifications).